The following is an entry in ClinVar:

NM_003872.3(NRP2):c.2425+9687C>T

Gene: NRP2 (neuropilin 2; plus strand). Cytogenetic location: 2q33.3.
Variant type: single nucleotide variant.
Coding change: c.2425+9687C>T on transcript NM_003872.3 (MANE Select); 9687 bases into the intron after coding-DNA position 2425, C replaced by T.
Molecular consequence: intron variant. On other transcripts: synonymous variant (2).
Genome position (GRCh38, 1-based): chr2:205,776,490, C>T. VCF-style: chr2-205776490-C-T. GRCh37 (hg19) VCF-style: chr2-206641214-C-T.
Other names: c.2685C>T, p.Thr895= (NM_018534.4); c.2670C>T, p.Thr890= (NM_201267.2); c.2440+9672C>T (NM_201266.2); c.2425+9687C>T (NM_201279.2).
Identifiers: ClinVar variation 4994684 (VCV004994684.1).

ClinVar aggregate classification (germline): Likely benign (1 of 4 stars; one submission).

Conditions:
NRP2-related disorder. Also called: NRP2-related condition.

Submission:

PreventionGenetics, part of Exact Sciences
Classification: Likely benign for NRP2-related condition. Last evaluated: 2026-03-30. Review status: criteria provided, single submitter. Criteria: ACMG Guidelines, 2015. Collection method: clinical testing. Allele origin: germline.
Comment: This variant is classified as likely benign based on ACMG/AMP sequence variant interpretation guidelines (Richards et al. 2015 PMID: 25741868, with internal and published modifications).